The following is an entry in ClinVar:

ClinVar aggregate classification (germline): Uncertain significance. Review status: criteria provided, multiple submitters, no conflicts (2 of 4 stars). 7 submissions from 7 submitters: Uncertain significance (7). Last evaluated 2025-11-19.

Conditions:
Hereditary cancer-predisposing syndrome. Also called: Neoplastic Syndromes, Hereditary; Tumor predisposition; Hereditary neoplastic syndrome; Hereditary Cancer Syndrome. Identifiers: Orphanet 140162, MedGen C0027672, MeSH D009386, MONDO:0015356.
Birt-Hogg-Dube syndrome. Also called: Birt Hogg Dubé syndrome. Identifiers: Orphanet 122, MedGen C0346010, MONDO:0800444.

Allele frequency attached by ClinVar (database versions not stated): TOPMed below 0.00001; gnomAD 0.00001; gnomAD exomes 0.00001; ExAC 0.00002.

Submissions (7):

Ambry Genetics
Classification: Uncertain significance for Hereditary cancer-predisposing syndrome. Last evaluated: 2025-11-19. Review status: criteria provided, single submitter. Criteria: Ambry Variant Classification Scheme 2023. Collection method: clinical testing. Allele origin: germline.
Comment: The p.G149S variant (also known as c.445G>A), located in coding exon 3 of the FLCN gene, results from a G to A substitution at nucleotide position 445. The glycine at codon 149 is replaced by serine, an amino acid with similar properties. This amino acid position is highly conserved in available vertebrate species. In addition, this alteration is predicted to be deleterious by in silico analysis. Based on the available evidence, the clinical significance of this variant remains unclear.

Dasa
Classification: Uncertain significance. Last evaluated: 2025-05-22. Review status: criteria provided, single submitter. Criteria: DASA Assertion Criteria. Collection method: clinical testing. Allele origin: germline.
Comment: NM_144997.7(FLCN):c.445G>A (p.Gly149Ser) is a missense variant that results in the substitution of glycine with serine. This variant is rare in population databases. Computational prediction algorithms are consistent with a deleterious effect. The currently available literature and clinical evidence are not sufficient to establish a definitive association between this variant and the reported condition. Therefore, this variant is classified as a variant of uncertain significance.

Labcorp Genetics (formerly Invitae), Labcorp
Classification: Uncertain significance for Birt-Hogg-Dube syndrome. Last evaluated: 2025-04-13. Review status: criteria provided, single submitter. Criteria: Invitae Variant Classification Sherloc (09022015). Collection method: clinical testing. Allele origin: germline.
Comment: This sequence change replaces glycine, which is neutral and non-polar, with serine, which is neutral and polar, at codon 149 of the FLCN protein (p.Gly149Ser). This variant is present in population databases (rs752014050, gnomAD 0.003%). This variant has not been reported in the literature in individuals affected with FLCN-related conditions. ClinVar contains an entry for this variant (Variation ID: 253229). Invitae Evidence Modeling of protein sequence and biophysical properties (such as structural, functional, and spatial information, amino acid conservation, physicochemical variation, residue mobility, and thermodynamic stability) indicates that this missense variant is expected to disrupt FLCN protein function with a positive predictive value of 80%. In summary, the available evidence is currently insufficient to determine the role of this variant in disease. Therefore, it has been classified as a Variant of Uncertain Significance.

Blueprint Genetics
Classification: Uncertain significance. Last evaluated: 2024-09-23. Review status: criteria provided, single submitter. Criteria: ACMG Guidelines, 2015. Collection method: clinical testing. Allele origin: germline.

GeneDx
Classification: Uncertain significance. Last evaluated: 2023-08-02. Review status: criteria provided, single submitter. Criteria: GeneDx Variant Classification Process June 2021. Collection method: clinical testing. Allele origin: germline. Affected: yes.
Comment: Not observed at significant frequency in large population cohorts (gnomAD); In silico analysis supports that this missense variant has a deleterious effect on protein structure/function; Has not been previously published as pathogenic or benign to our knowledge

Sema4
Classification: Uncertain significance for Hereditary cancer-predisposing syndrome. Last evaluated: 2022-02-25. Review status: criteria provided, single submitter. Criteria: Sema4 Curation Guidelines. Collection method: curation. Allele origin: germline.
Comment: To the best of our knowledge, the FLCN c.445G>A (p.G149S) variant has not been reported in individuals with FLCN-related disease. It was observed in 4/125168 chromosomes in the Non-Finnish European population according to the Genome Aggregation Database (PMID: 32461654). The variant has been reported in ClinVar (Variation ID: 253229). In silico tools suggest the impact of the variant on protein function is deleterious, though these predictions have not been confirmed by functional studies. The evidence is insufficient to meet ACMG/AMP criteria for classifying the variant as benign or pathogenic. Thus, the clinical significance of this variant is currently uncertain.

Genomic Diagnostic Laboratory, Division of Genomic Diagnostics, Children's Hospital of Philadelphia
Classification: Uncertain significance for Birt-Hogg-Dube Syndrome. Last evaluated: 2016-07-18. Review status: criteria provided, single submitter. Criteria: DGD Variant Analysis Guidelines. Collection method: clinical testing. Allele origin: germline. Affected: yes. Observed: 1 variant allele.
Comment: Clinical Testing

NM_144997.7(FLCN):c.445G>A (p.Gly149Ser)

Gene: FLCN (folliculin; minus strand). Cytogenetic location: 17p11.2.
Variant type: single nucleotide variant.
Coding change: c.445G>A on transcript NM_144997.7 (MANE Select); coding-DNA position 445, G replaced by A.
Protein change: p.Gly149Ser; replaces glycine 149 with serine.
Molecular consequence: missense variant.
Genome position (GRCh38, 1-based): chr17:17,224,095, C>T on the plus strand (G>A on the coding strand, the complement: FLCN is on the minus strand). VCF-style: chr17-17224095-C-T. GRCh37 (hg19) VCF-style: chr17-17127409-C-T.
Other names: c.445G>A (LRG_325t1); c.499G>A, p.Gly167Ser (NM_001353229.2); c.445G>A, p.Gly149Ser (NM_001353230.2, NM_001353231.2, NM_144606.7); short protein forms G149S, G167S.
Identifiers: ClinVar variation 253229 (VCV000253229.19), dbSNP rs752014050, ClinGen allele CA8416397.
Genomic context (GRCh38, chr17:17,224,095, plus strand): 5'-AGCGCTGGAAGCCCCTGGCCAGGCTGTCCTTGATGAAGAAGGTGTGGCTGAACACAAAGC[C>T]GTGCTGCTCATCTCCGAAGAAGATGGGGCCTTCACGGCCAGGGCAGACCTGGAGGGACAC-3'
Protein context (NP_659434.2, residues 139-159): GPIFFGDEQH[Gly149Ser]FVFSHTFFIK